The following is an entry in ClinVar:

NM_000548.5(TSC2):c.4434C>T (p.Asp1478=)

Gene: TSC2 (TSC complex subunit 2; plus strand). Cytogenetic location: 16p13.3.
Variant type: single nucleotide variant.
Coding change: c.4434C>T on transcript NM_000548.5 (MANE Select); coding-DNA position 4434, C replaced by T.
Protein change: p.Asp1478=; no amino-acid change (aspartic acid 1478 retained).
Molecular consequence: synonymous variant.
Genome position (GRCh38, 1-based): chr16:2,084,656, C>T. VCF-style: chr16-2084656-C-T. GRCh37 (hg19) VCF-style: chr16-2134657-C-T.
Other names: c.4233C>T, p.Asp1411= (NM_001077183.3); c.4365C>T, p.Asp1455= (NM_001114382.3); c.4125C>T, p.Asp1375= (NM_001318827.2); c.4089C>T, p.Asp1363= (NM_001318829.2); c.3702C>T, p.Asp1234= (NM_001318831.2); c.4266C>T, p.Asp1422= (NM_001318832.2); c.4236C>T, p.Asp1412= (NM_001363528.2); c.4302C>T, p.Asp1434= (NM_001370404.1); and 2 more.
Identifiers: ClinVar variation 413681 (VCV000413681.47), dbSNP rs758374702, ClinGen allele CA051128.

ClinVar aggregate classification (germline): Benign/Likely benign. Review status: criteria provided, multiple submitters, no conflicts (2 of 4 stars). 10 submissions from 10 submitters: Benign (4); Likely benign (5). 1 of the submissions does not count toward it. Last evaluated 2026-01-22.

Conditions:
Lymphangiomyomatosis (LAM). Also called: Lymphangioleiomyomatosis, somatic; Lymphangioleiomyomatosis. Identifiers: Orphanet 538, MedGen C0751674, MONDO:0011705, OMIM 606690.
Isolated focal cortical dysplasia type II (FCORD2). Also called: CORTICAL DYSPLASIA OF TAYLOR; Focal cortical dysplasia type II. Identifiers: Orphanet 268994, MedGen C1846385, MONDO:0011818, OMIM 607341, HP:0032051.
Tuberous sclerosis 2 (TSC2). Identifiers: Orphanet 805, MedGen C1860707, MONDO:0013199, OMIM 613254.
TSC2-related disorder. Also called: TSC2-Related Disorders; TSC2-related condition.
Hereditary cancer-predisposing syndrome. Also called: Tumor predisposition; Hereditary neoplastic syndrome; Hereditary Cancer Syndrome; Neoplastic Syndromes, Hereditary. Identifiers: Orphanet 140162, MedGen C0027672, MeSH D009386, MONDO:0015356.
Tuberous sclerosis syndrome (TSC). Also called: Tuberous Sclerosis Complex; Tuberous sclerosis. Identifiers: Orphanet 805, MedGen C0041341, MONDO:0001734.

Allele frequency attached by ClinVar (database versions not stated): ExAC 0.00003; gnomAD 0.00003 and 0.00004; gnomAD exomes 0.00003; TOPMed 0.00003.
gnomAD v4.1: 47 of 1,599,010 alleles (0.0029%); highest among the groups gnomAD compares: Middle Eastern, 0.016%; no homozygotes.

Submissions (10):

Labcorp Genetics (formerly Invitae), Labcorp
Classification: Benign for Tuberous sclerosis 2. Last evaluated: 2026-01-22. Review status: criteria provided, single submitter. Criteria: Invitae Variant Classification Sherloc (09022015). Collection method: clinical testing. Allele origin: germline.

Myriad Genetics, Inc.
Classification: Benign for Tuberous sclerosis 2. Last evaluated: 2025-06-03. Review status: criteria provided, single submitter. Criteria: Myriad Autosomal Dominant, Autosomal Recessive and X-Linked Classification Criteria (2023). Collection method: clinical testing. Allele origin: unknown.
Comment: This variant is considered benign. This variant is a silent/synonymous amino acid change and it is not expected to impact splicing.

CeGaT Center for Human Genetics Tuebingen
Classification: Likely benign. Last evaluated: 2024-11-01. Review status: criteria provided, single submitter. Criteria: CeGaT Center For Human Genetics Tuebingen Variant Classification Criteria Version 2. Collection method: clinical testing. Allele origin: germline. Affected: yes. Observed: 2 variant alleles.
Comment: TSC2: BP4, BP7

All of Us Research Program, National Institutes of Health
Classification: Likely benign for Tuberous sclerosis syndrome. Last evaluated: 2024-06-09. Review status: criteria provided, single submitter. Criteria: ACMG Guidelines, 2015. Collection method: clinical testing. Allele origin: germline. Inheritance: Autosomal dominant inheritance. Observed: 7 variant alleles, 7 heterozygotes.
Comment: This study involves interpretation of variants in research participants for the purpose of population health screening. Participant phenotype was not available at the time of variant classification. Additional details can be found in publication PMID: 35346344, PMCID: PMC8962531

Color Diagnostics, LLC DBA Color Health
Classification: Likely benign for Tuberous sclerosis syndrome. Last evaluated: 2022-10-07. Review status: criteria provided, single submitter. Criteria: ACMG Guidelines, 2015. Collection method: clinical testing. Allele origin: germline.

Fulgent Genetics
Classification: Benign for Lymphangiomyomatosis; Isolated focal cortical dysplasia type II; Tuberous sclerosis 2. Last evaluated: 2022-05-27. Review status: criteria provided, single submitter. Criteria: ACMG Guidelines, 2015. Collection method: clinical testing. Allele origin: unknown.

Genome-Nilou Lab
Classification: Benign for Tuberous sclerosis 2. Last evaluated: 2021-11-07. Review status: criteria provided, single submitter. Criteria: ACMG Guidelines, 2015. Collection method: clinical testing. Allele origin: germline. Affected: no.

GeneDx
Classification: Likely benign. Last evaluated: 2020-02-10. Review status: criteria provided, single submitter. Criteria: GeneDx Variant Classification Process June 2021. Collection method: clinical testing. Allele origin: germline. Affected: yes.

Ambry Genetics
Classification: Likely benign for Hereditary cancer-predisposing syndrome. Last evaluated: 2019-02-09. Review status: criteria provided, single submitter. Criteria: Ambry Variant Classification Scheme 2023. Collection method: clinical testing. Allele origin: germline.

PreventionGenetics, part of Exact Sciences
Classification: Likely benign for TSC2-related condition. Last evaluated: 2023-03-08. Review status: no assertion criteria provided. Collection method: clinical testing. Allele origin: germline. Not counted in ClinVar's aggregate classification.
Comment: This variant is classified as likely benign based on ACMG/AMP sequence variant interpretation guidelines (Richards et al. 2015 PMID: 25741868, with internal and published modifications).